The following is an entry in ClinVar:

ClinVar aggregate classification (germline): Uncertain significance (1 of 4 stars; one submission).

gnomAD v4.1: 1 of 1,614,072 alleles (0.000062%); highest among the groups gnomAD compares: Admixed American, 0.0017%; no homozygotes.

Submission:

GeneDx
Classification: Uncertain significance. Last evaluated: 2023-03-24. Review status: criteria provided, single submitter. Criteria: GeneDx Variant Classification Process June 2021. Collection method: clinical testing. Allele origin: germline. Affected: yes.
Comment: Not observed at significant frequency in large population cohorts (gnomAD); In silico analysis supports that this missense variant has a deleterious effect on protein structure/function; Has not been previously published as pathogenic or benign to our knowledge

NM_025243.4(SLC19A3):c.58T>A (p.Cys20Ser)

Gene: SLC19A3 (solute carrier family 19 member 3; minus strand). Cytogenetic location: 2q36.3.
Variant type: single nucleotide variant.
Coding change: c.58T>A on transcript NM_025243.4 (MANE Select); coding-DNA position 58, T replaced by A.
Protein change: p.Cys20Ser; replaces cysteine 20 with serine.
Molecular consequence: missense variant. On other transcripts: 5 prime UTR variant (2).
Genome position (GRCh38, 1-based): chr2:227,702,261, A>T on the plus strand (T>A on the coding strand, the complement: SLC19A3 is on the minus strand). VCF-style: chr2-227702261-A-T. GRCh37 (hg19) VCF-style: chr2-228566977-A-T.
Other names: c.58T>A, p.Cys20Ser (NM_001371411.1, NM_001371412.1); c.-151T>A (NM_001371413.1, NM_001371414.1); short protein forms C20S.
Identifiers: ClinVar variation 2580723 (VCV002580723.1), dbSNP rs1287862643, ClinGen allele CA350878039.